The following is an entry in ClinVar:

ClinVar aggregate classification (germline): Uncertain significance (1 of 4 stars; one submission).

Conditions:
Hereditary cancer-predisposing syndrome. Also called: Neoplastic Syndromes, Hereditary; Tumor predisposition; Hereditary neoplastic syndrome; Hereditary Cancer Syndrome. Identifiers: Orphanet 140162, MedGen C0027672, MeSH D009386, MONDO:0015356.

Submission:

Ambry Genetics
Classification: Uncertain significance for Hereditary cancer-predisposing syndrome. Last evaluated: 2026-06-30. Review status: criteria provided, single submitter. Criteria: Ambry Variant Classification Scheme 2023. Collection method: clinical testing. Allele origin: germline.
Comment: The c.1935+1475A>G intronic variant results from an A to G substitution 1475 nucleotides after coding exon 12 in the BRIP1 gene. This nucleotide position is well conserved in available vertebrate species. In silico splice site analysis predicts that this alteration will result in the creation or strengthening of a novel splice acceptor site; however, direct evidence is insufficient at this time (Ambry internal data). Based on the available evidence, the clinical significance of this variant remains unclear.

NM_032043.3(BRIP1):c.1935+1475A>G

Gene: BRIP1 (BRCA1 interacting DNA helicase 1; minus strand). Cytogenetic location: 17q23.2.
Variant type: single nucleotide variant.
Coding change: c.1935+1475A>G on transcript NM_032043.3 (MANE Select); 1475 bases into the intron after coding-DNA position 1935, A replaced by G.
Molecular consequence: intron variant.
Genome position (GRCh38, 1-based): chr17:61,778,786, T>C on the plus strand (A>G on the coding strand, the complement: BRIP1 is on the minus strand). VCF-style: chr17-61778786-T-C. GRCh37 (hg19) VCF-style: chr17-59856147-T-C.
Identifiers: ClinVar variation 5033387 (VCV005033387.1).